The following is an entry in ClinVar:

ClinVar aggregate classification (germline): Uncertain significance. Review status: criteria provided, multiple submitters, no conflicts (2 of 4 stars). 2 submissions from 2 submitters: Uncertain significance (2). Last evaluated 2025-08-27.

Conditions:
Inborn genetic diseases. Identifiers: MedGen C0950123, MeSH D030342.

Allele frequency attached by ClinVar (database versions not stated): gnomAD exomes below 0.00001 and 0.00002; gnomAD 0.00001; TOPMed 0.00001.
gnomAD v4.1: 24 of 1,591,610 alleles (0.0015%); highest among the groups gnomAD compares: East Asian, 0.055%; no homozygotes.

Submissions (2):

Ambry Genetics
Classification: Uncertain significance for Inborn genetic diseases. Last evaluated: 2025-08-27. Review status: criteria provided, single submitter. Criteria: Ambry Variant Classification Scheme 2023. Collection method: clinical testing. Allele origin: germline.

Labcorp Genetics (formerly Invitae), Labcorp
Classification: Uncertain significance. Last evaluated: 2023-07-17. Review status: criteria provided, single submitter. Criteria: Invitae Variant Classification Sherloc (09022015). Collection method: clinical testing. Allele origin: germline.
Comment: This sequence change replaces glutamic acid, which is acidic and polar, with glycine, which is neutral and non-polar, at codon 613 of the ARHGEF18 protein (p.Glu613Gly). The frequency data for this variant in the population databases is considered unreliable, as metrics indicate poor data quality at this position in the gnomAD database. This variant has not been reported in the literature in individuals affected with ARHGEF18-related conditions. ClinVar contains an entry for this variant (Variation ID: 1062019). An algorithm developed to predict the effect of missense changes on protein structure and function (PolyPhen-2) suggests that this variant is likely to be disruptive. In summary, the available evidence is currently insufficient to determine the role of this variant in disease. Therefore, it has been classified as a Variant of Uncertain Significance.

NM_001367823.1(ARHGEF18):c.2402A>G (p.Glu801Gly)

Gene: ARHGEF18 (Rho/Rac guanine nucleotide exchange factor 18; plus strand). Cytogenetic location: 19p13.2.
Variant type: single nucleotide variant.
Coding change: c.2402A>G on transcript NM_001367823.1 (MANE Select); coding-DNA position 2402, A replaced by G.
Protein change: p.Glu801Gly; replaces glutamic acid 801 with glycine.
Molecular consequence: missense variant.
Genome position (GRCh38, 1-based): chr19:7,459,944, A>G. VCF-style: chr19-7459944-A-G. GRCh37 (hg19) VCF-style: chr19-7524830-A-G.
Other names: c.1676A>G, p.Glu559Gly (NM_001130955.2); c.1364A>G, p.Glu455Gly (NM_001367824.1, NM_015318.4); c.1838A>G (NM_001130955.1); short protein forms E455G, E559G, E801G.
Identifiers: ClinVar variation 1062019 (VCV001062019.8), dbSNP rs1024605600, ClinGen allele CA304895281.